The following is an entry in ClinVar:

ClinVar aggregate classification (germline): Uncertain significance. Review status: criteria provided, multiple submitters, no conflicts (2 of 4 stars). 2 submissions from 2 submitters: Uncertain significance (2). Last evaluated 2025-08-28.

Conditions:
Inborn genetic diseases. Identifiers: MedGen C0950123, MeSH D030342.
Hyperphosphatasia with intellectual disability syndrome 5 (GPIBD11). Also called: GLYCOSYLPHOSPHATIDYLINOSITOL BIOSYNTHESIS DEFECT 11. Identifiers: Orphanet 247262, MedGen C4014958, MONDO:0014457, OMIM 616025.

Allele frequency attached by ClinVar (database versions not stated): gnomAD exomes 0.00001; gnomAD 0.00002; TOPMed 0.00002; ExAC 0.00001.
gnomAD v4.1: 17 of 1,602,580 alleles (0.0011%); highest among the groups gnomAD compares: Non-Finnish European, 0.0014%; no homozygotes.

Submissions (2):

Ambry Genetics
Classification: Uncertain significance for Inborn genetic diseases. Last evaluated: 2025-08-28. Review status: criteria provided, single submitter. Criteria: Ambry Variant Classification Scheme 2023. Collection method: clinical testing. Allele origin: germline.

Labcorp Genetics (formerly Invitae), Labcorp
Classification: Uncertain significance for Hyperphosphatasia with intellectual disability syndrome 5. Last evaluated: 2022-05-22. Review status: criteria provided, single submitter. Criteria: Invitae Variant Classification Sherloc (09022015). Collection method: clinical testing. Allele origin: germline.
Comment: This sequence change replaces serine, which is neutral and polar, with glycine, which is neutral and non-polar, at codon 12 of the PIGW protein (p.Ser12Gly). This variant is present in population databases (rs745967175, gnomAD 0.007%). This variant has not been reported in the literature in individuals affected with PIGW-related conditions. ClinVar contains an entry for this variant (Variation ID: 576705). Algorithms developed to predict the effect of missense changes on protein structure and function are either unavailable or do not agree on the potential impact of this missense change (SIFT: "Tolerated"; PolyPhen-2: "Possibly Damaging"; Align-GVGD: "Class C0"). In summary, the available evidence is currently insufficient to determine the role of this variant in disease. Therefore, it has been classified as a Variant of Uncertain Significance.

NM_001346754.2(PIGW):c.34A>G (p.Ser12Gly)

Genes: MYO19 (myosin XIX; minus strand), PIGW (phosphatidylinositol glycan anchor biosynthesis class W; plus strand). Cytogenetic location: 17q12.
Variant type: single nucleotide variant.
Coding change: c.34A>G on transcript NM_001346754.2 (MANE Select); coding-DNA position 34, A replaced by G.
Protein change: p.Ser12Gly; replaces serine 12 with glycine.
Molecular consequence: missense variant.
Genome position (GRCh38, 1-based): chr17:36,537,135, A>G. VCF-style: chr17-36537135-A-G. GRCh37 (hg19) VCF-style: chr17-34892984-A-G.
Other names: c.34A>G, p.Ser12Gly (NM_001346755.2, NM_178517.5); short protein forms S12G.
Identifiers: ClinVar variation 576705 (VCV000576705.5), dbSNP rs745967175, ClinGen allele CA290115651.